The following is an entry in ClinVar:

NM_030662.4(MAP2K2):c.151AAG[1] (p.Lys52del)

Gene: MAP2K2 (mitogen-activated protein kinase kinase 2; minus strand). Cytogenetic location: 19p13.3.
Variant type: Microsatellite.
Coding change: c.151AAG[1] on transcript NM_030662.4 (MANE Select); one copy of the 3-base unit AAG starting at c.151; the reference has two copies in a row; one copy, 3 bases deleted.
Protein change: p.Lys52del; deletes lysine 52.
Molecular consequence: inframe deletion.
Genome position (GRCh38, 1-based): chr19:4,117,566-4,117,568, CTT deleted on the plus strand (AAG on the coding strand, the reverse complement: MAP2K2 is on the minus strand); deleting any 3 consecutive bases within chr19:4,117,566-4,117,573 gives the same sequence; the position shown is the placement nearest the transcript's 3' end. VCF-style (leftmost placement, unchanged base first): chr19-4117565-GCTT-G. GRCh37 (hg19) VCF-style: chr19-4117563-GCTT-G.
Other names: short protein forms K52del.
Identifiers: ClinVar variation 1968422 (VCV001968422.5), dbSNP rs2512323020, ClinGen allele CA2580613026.

ClinVar aggregate classification (germline): Uncertain significance (1 of 4 stars; one submission).

Conditions:
RASopathy. Also called: rasopathies; Noonan spectrum disorder. Identifiers: Orphanet 536391, MedGen C5555857, MONDO:0021060.

Submission:

Labcorp Genetics (formerly Invitae), Labcorp
Classification: Uncertain significance for RASopathy. Last evaluated: 2022-03-12. Review status: criteria provided, single submitter. Criteria: Invitae Variant Classification Sherloc (09022015). Collection method: clinical testing. Allele origin: germline.
Comment: In summary, the available evidence is currently insufficient to determine the role of this variant in disease. Therefore, it has been classified as a Variant of Uncertain Significance. Experimental studies and prediction algorithms are not available or were not evaluated, and the functional significance of this variant is currently unknown. This variant has not been reported in the literature in individuals affected with MAP2K2-related conditions. This variant, c.154_156del, results in the deletion of 1 amino acid(s) of the MAP2K2 protein (p.Lys52del), but otherwise preserves the integrity of the reading frame. This variant is not present in population databases (gnomAD no frequency).